The following is an entry in ClinVar:

ClinVar aggregate classification (germline): Benign/Likely benign. Review status: criteria provided, multiple submitters, no conflicts (2 of 4 stars). 3 submissions from 3 submitters: Benign (1); Likely benign (2). Last evaluated 2025-04-09.

Conditions:
Familial adenomatous polyposis 1 (FAP1). Also called: POLYPOSIS, ADENOMATOUS INTESTINAL; FAMILIAL ADENOMATOUS POLYPOSIS 1, ATTENUATED. Identifiers: MedGen C2713442, MONDO:0021056, OMIM 175100. Disease mechanism: loss of function.
Hereditary cancer-predisposing syndrome. Also called: Neoplastic Syndromes, Hereditary; Tumor predisposition; Hereditary neoplastic syndrome; Hereditary Cancer Syndrome. Identifiers: Orphanet 140162, MedGen C0027672, MeSH D009386, MONDO:0015356.

Submissions (3):

Labcorp Genetics (formerly Invitae), Labcorp
Classification: Likely benign for Familial adenomatous polyposis 1. Last evaluated: 2025-04-09. Review status: criteria provided, single submitter. Criteria: Invitae Variant Classification Sherloc (09022015). Collection method: clinical testing. Allele origin: germline.

Myriad Genetics, Inc.
Classification: Benign for Familial adenomatous polyposis 1. Last evaluated: 2024-03-28. Review status: criteria provided, single submitter. Criteria: Myriad Autosomal Dominant, Autosomal Recessive and X-Linked Classification Criteria (2023). Collection method: clinical testing. Allele origin: unknown.
Comment: This variant is considered benign. This variant is a silent/synonymous amino acid change and it is not expected to impact splicing.

Ambry Genetics
Classification: Likely benign for Hereditary cancer-predisposing syndrome. Last evaluated: 2023-03-02. Review status: criteria provided, single submitter. Criteria: Ambry Variant Classification Scheme 2023. Collection method: clinical testing. Allele origin: germline.

NM_000038.6(APC):c.5064T>C (p.Asp1688=)

Gene: APC (APC regulator of Wnt signaling pathway; plus strand). Cytogenetic location: 5q22.2.
Variant type: single nucleotide variant.
Coding change: c.5064T>C on transcript NM_000038.6 (MANE Select); coding-DNA position 5064, T replaced by C.
Protein change: p.Asp1688=; no amino-acid change (aspartic acid 1688 retained).
Molecular consequence: synonymous variant. On other transcripts: non-coding transcript variant (2).
Genome position (GRCh38, 1-based): chr5:112,840,658, T>C. VCF-style: chr5-112840658-T-C. GRCh37 (hg19) VCF-style: chr5-112176355-T-C.
Other names: c.5064T>C, p.Asp1688= (NM_001127510.3, NM_001354895.2, NM_001407450.1); c.5010T>C, p.Asp1670= (NM_001127511.3); c.5118T>C, p.Asp1706= (NM_001354896.2, NM_001407447.1, NM_001407448.1 and 1 more transcripts); c.5094T>C, p.Asp1698= (NM_001354897.2); c.4989T>C, p.Asp1663= (NM_001354898.2); c.4980T>C, p.Asp1660= (NM_001354899.2); c.4941T>C, p.Asp1647= (NM_001354900.2); c.4887T>C, p.Asp1629= (NM_001354901.2, NM_001407453.1); and 11 more.
Identifiers: ClinVar variation 2452765 (VCV002452765.3), dbSNP rs1161046076, ClinGen allele CA446209548.